The following is an entry in ClinVar:

ClinVar aggregate classification (germline): Uncertain significance (1 of 4 stars; one submission).

Allele frequency attached by ClinVar (database versions not stated): ExAC 0.00001; gnomAD 0.00001; gnomAD exomes 0.00001; TOPMed 0.00001.
gnomAD v4.1: 18 of 1,613,940 alleles (0.0011%); highest among the groups gnomAD compares: Non-Finnish European, 0.0015%; no homozygotes.

Submission:

Labcorp Genetics (formerly Invitae), Labcorp
Classification: Uncertain significance. Last evaluated: 2022-09-27. Review status: criteria provided, single submitter. Criteria: Invitae Variant Classification Sherloc (09022015). Collection method: clinical testing. Allele origin: germline.
Comment: In summary, the available evidence is currently insufficient to determine the role of this variant in disease. Therefore, it has been classified as a Variant of Uncertain Significance. Advanced modeling of protein sequence and biophysical properties (such as structural, functional, and spatial information, amino acid conservation, physicochemical variation, residue mobility, and thermodynamic stability) performed at Invitae indicates that this missense variant is not expected to disrupt WNT5A protein function. This variant has not been reported in the literature in individuals affected with WNT5A-related conditions. This variant is present in population databases (rs759194223, gnomAD 0.01%). This sequence change replaces serine, which is neutral and polar, with leucine, which is neutral and non-polar, at codon 293 of the WNT5A protein (p.Ser293Leu).

NM_003392.7(WNT5A):c.878C>T (p.Ser293Leu)

Gene: WNT5A (Wnt family member 5A; minus strand). Cytogenetic location: 3p14.3.
Variant type: single nucleotide variant.
Coding change: c.878C>T on transcript NM_003392.7 (MANE Select); coding-DNA position 878, C replaced by T.
Protein change: p.Ser293Leu; replaces serine 293 with leucine.
Molecular consequence: missense variant.
Genome position (GRCh38, 1-based): chr3:55,470,357, G>A on the plus strand (C>T on the coding strand, the complement: WNT5A is on the minus strand). VCF-style: chr3-55470357-G-A. GRCh37 (hg19) VCF-style: chr3-55504385-G-A.
Other names: c.833C>T, p.Ser278Leu (NM_001256105.1, NM_001377271.1, NM_001377272.1); short protein forms S293L, S278L.
Identifiers: ClinVar variation 1906076 (VCV001906076.5), dbSNP rs759194223, ClinGen allele CA2458949.